The following is an entry in ClinVar:

ClinVar aggregate classification (germline): Uncertain significance (1 of 4 stars; one submission).

Allele frequency attached by ClinVar (database versions not stated): ExAC 0.00001; gnomAD 0.00001; TOPMed 0.00001.
gnomAD v4.1: 25 of 1,613,656 alleles (0.0015%); highest among the groups gnomAD compares: Admixed American, 0.0033%; no homozygotes.

Submission:

Labcorp Genetics (formerly Invitae), Labcorp
Classification: Uncertain significance. Last evaluated: 2023-08-04. Review status: criteria provided, single submitter. Criteria: Invitae Variant Classification Sherloc (09022015). Collection method: clinical testing. Allele origin: germline.
Comment: In summary, the available evidence is currently insufficient to determine the role of this variant in disease. Therefore, it has been classified as a Variant of Uncertain Significance. Advanced modeling of protein sequence and biophysical properties (such as structural, functional, and spatial information, amino acid conservation, physicochemical variation, residue mobility, and thermodynamic stability) performed at Invitae indicates that this missense variant is not expected to disrupt FAT4 protein function. ClinVar contains an entry for this variant (Variation ID: 1951324). This variant has not been reported in the literature in individuals affected with FAT4-related conditions. This variant is present in population databases (rs776820594, gnomAD 0.0009%). This sequence change replaces isoleucine, which is neutral and non-polar, with arginine, which is basic and polar, at codon 2911 of the FAT4 protein (p.Ile2911Arg).

NM_001291303.3(FAT4):c.8738T>G (p.Ile2913Arg)

Gene: FAT4 (FAT atypical cadherin 4; plus strand). Cytogenetic location: 4q28.1.
Variant type: single nucleotide variant.
Coding change: c.8738T>G on transcript NM_001291303.3 (MANE Select); coding-DNA position 8738, T replaced by G.
Protein change: p.Ile2913Arg; replaces isoleucine 2913 with arginine.
Molecular consequence: missense variant.
Genome position (GRCh38, 1-based): chr4:125,449,748, T>G. VCF-style: chr4-125449748-T-G. GRCh37 (hg19) VCF-style: chr4-126370903-T-G.
Other names: c.8738T>G, p.Ile2913Arg (NM_001291285.3); c.8732T>G, p.Ile2911Arg (NM_024582.6); short protein forms I2911R, I2913R.
Identifiers: ClinVar variation 1951324 (VCV001951324.3), dbSNP rs776820594, ClinGen allele CA3073418.